The following is an entry in ClinVar:

NM_201253.3(CRB1):c.481G>A (p.Ala161Thr)

Gene: CRB1 (crumbs cell polarity complex component 1; plus strand). Cytogenetic location: 1q31.3.
Variant type: single nucleotide variant.
Coding change: c.481G>A on transcript NM_201253.3 (MANE Select); coding-DNA position 481, G replaced by A.
Protein change: p.Ala161Thr; replaces alanine 161 with threonine.
Molecular consequence: missense variant. On other transcripts: non-coding transcript variant (2).
Genome position (GRCh38, 1-based): chr1:197,328,832, G>A. VCF-style: chr1-197328832-G-A. GRCh37 (hg19) VCF-style: chr1-197297962-G-A.
Other names: c.481G>A, p.Ala161Thr (NM_001193640.2, NM_001257966.2); c.274G>A, p.Ala92Thr (NM_001257965.2); short protein forms A161T, A92T.
Identifiers: ClinVar variation 424923 (VCV000424923.53), dbSNP rs1064797126, ClinGen allele CA16621582.

ClinVar aggregate classification (germline): Conflicting classifications of pathogenicity. Review status: criteria provided, conflicting classifications (1 of 4 stars). 3 submissions from 3 submitters: Likely pathogenic (1); Uncertain significance (2). Last evaluated 2025-10-26.

Conditions:
Leber congenital amaurosis 8 (LCA8). Identifiers: Orphanet 65, MedGen C3151202, MONDO:0013453, OMIM 613835.
Retinitis pigmentosa 12 (RP12). Also called: RP WITH OR WITHOUT PPRPE; RP WITH OR WITHOUT PRESERVED PARAARTERIOLE RETINAL PIGMENT EPITHELIUM; RETINITIS PIGMENTOSA WITH OR WITHOUT PARAARTERIOLAR PRESERVATION OF RETINAL PIGMENT EPITHELIUM. Identifiers: Orphanet 791, MedGen C1838647, MONDO:0010818, OMIM 600105.

Submissions (3):

Labcorp Genetics (formerly Invitae), Labcorp
Classification: Uncertain significance for Leber congenital amaurosis 8; Retinitis pigmentosa 12. Last evaluated: 2025-10-26. Review status: criteria provided, single submitter. Criteria: Invitae Variant Classification Sherloc (09022015). Collection method: clinical testing. Allele origin: germline.
Comment: This sequence change replaces alanine, which is neutral and non-polar, with threonine, which is neutral and polar, at codon 161 of the CRB1 protein (p.Ala161Thr). This variant is not present in population databases (gnomAD no frequency). This missense change has been observed in individuals with autosomal recessive inherited retinal disease (PMID: 31054281, 32036094, 34327195, 35119454). ClinVar contains an entry for this variant (Variation ID: 424923). Invitae Evidence Modeling of protein sequence and biophysical properties (such as structural, functional, and spatial information, amino acid conservation, physicochemical variation, residue mobility, and thermodynamic stability) has been performed for this missense variant. However, the output from this modeling did not meet the statistical confidence thresholds required to predict the impact of this variant on CRB1 protein function. This variant disrupts the p.Ala161 amino acid residue in CRB1. Other variant(s) that disrupt this residue have been observed in individuals with CRB1-related conditions (PMID: 10508521), which suggests that this may be a clinically significant amino acid residue. In summary, the available evidence is currently insufficient to determine the role of this variant in disease. Therefore, it has been classified as a Variant of Uncertain Significance.

DBGen Ocular Genomics
Classification: Likely pathogenic for Retinitis pigmentosa 12. Last evaluated: 2021-06-07. Review status: criteria provided, single submitter. Criteria: ACMG Guidelines, 2015. Collection method: clinical testing. Allele origin: germline. Affected: yes. Observed: 1 variant allele.

CeGaT Center for Human Genetics Tuebingen
Classification: Uncertain significance. Last evaluated: 2016-11-01. Review status: criteria provided, single submitter. Criteria: CeGaT Center For Human Genetics Tuebingen Variant Classification Criteria Version 2. Collection method: clinical testing. Allele origin: germline. Affected: yes. Observed: 1 variant allele.

Literature cited by the submitters: PubMed 31054281 (cited by Labcorp Genetics (formerly Invitae), Labcorp); PubMed 32036094 (cited by Labcorp Genetics (formerly Invitae), Labcorp); PubMed 34327195 (cited by Labcorp Genetics (formerly Invitae), Labcorp); PubMed 35119454 (cited by Labcorp Genetics (formerly Invitae), Labcorp); PubMed 10508521 (cited by Labcorp Genetics (formerly Invitae), Labcorp).